The following is an entry in ClinVar:

NM_007289.4(MME):c.1907G>A (p.Gly636Glu)

Gene: MME (membrane metalloendopeptidase; plus strand). Cytogenetic location: 3q25.2.
Variant type: single nucleotide variant.
Coding change: c.1907G>A on transcript NM_007289.4 (MANE Select); coding-DNA position 1907, G replaced by A.
Protein change: p.Gly636Glu; replaces glycine 636 with glutamic acid.
Molecular consequence: missense variant.
Genome position (GRCh38, 1-based): chr3:155,168,618, G>A. VCF-style: chr3-155168618-G-A. GRCh37 (hg19) VCF-style: chr3-154886407-G-A.
Other names: c.1907G>A, p.Gly636Glu (NM_000902.5, NM_001354642.2, NM_001354643.1 and 2 more transcripts); c.1907G>A (NM_007289.2); short protein forms G636E.
Identifiers: ClinVar variation 1978614 (VCV001978614.3), dbSNP rs1416454631, ClinGen allele CA355218653.
Genomic context (GRCh38, chr3:155,168,618, plus strand): 5'-AGGAGCAATCCCAGTGCATGGTGTATCAGTATGGAAACTTTTCCTGGGACCTGGCAGGTG[G>A]ACAGCACGTATGTCATTAGCATTCTCTTGAAAAGTTTTAGACATGTTCAATCTTAAGTGT-3'
Protein context (NP_009220.2, residues 626-646): YGNFSWDLAG[Gly636Glu]QHLNGINTLG

ClinVar aggregate classification (germline): Uncertain significance. Review status: criteria provided, multiple submitters, no conflicts (2 of 4 stars). 2 submissions from 2 submitters: Uncertain significance (2). Last evaluated 2024-08-20.

Conditions:
Inborn genetic diseases. Identifiers: MedGen C0950123, MeSH D030342.

Allele frequency attached by ClinVar (database versions not stated): gnomAD exomes below 0.00001.
gnomAD v4.1: 4 of 1,613,814 alleles (0.00025%); highest among the groups gnomAD compares: Non-Finnish European, 0.00034%; no homozygotes.

Submissions (2):

Ambry Genetics
Classification: Uncertain significance for Inborn genetic diseases. Last evaluated: 2024-08-20. Review status: criteria provided, single submitter. Criteria: Ambry Variant Classification Scheme 2023. Collection method: clinical testing. Allele origin: germline.

Labcorp Genetics (formerly Invitae), Labcorp
Classification: Uncertain significance. Last evaluated: 2022-05-21. Review status: criteria provided, single submitter. Criteria: Invitae Variant Classification Sherloc (09022015). Collection method: clinical testing. Allele origin: germline.
Comment: This variant has not been reported in the literature in individuals affected with MME-related conditions. Algorithms developed to predict the effect of missense changes on protein structure and function are either unavailable or do not agree on the potential impact of this missense change (SIFT: "Deleterious"; PolyPhen-2: "Probably Damaging"; Align-GVGD: "Class C0"). Algorithms developed to predict the effect of sequence changes on RNA splicing suggest that this variant may create or strengthen a splice site. In summary, the available evidence is currently insufficient to determine the role of this variant in disease. Therefore, it has been classified as a Variant of Uncertain Significance. This variant is present in population databases (no rsID available, gnomAD 0.0009%). This sequence change replaces glycine, which is neutral and non-polar, with glutamic acid, which is acidic and polar, at codon 636 of the MME protein (p.Gly636Glu).